The following is an entry in ClinVar:

ClinVar aggregate classification (germline): Likely pathogenic. Review status: criteria provided, multiple submitters, no conflicts (2 of 4 stars). 2 submissions from 2 submitters: Likely pathogenic (2). Last evaluated 2024-06-07.

Conditions:
Mucopolysaccharidosis, MPS-II (MPS2). Also called: Attenuated MPS (subtype; formerly known as mild MPS II); Severe MPS II; I2S deficiency; MPS 2; Hunter Syndrome; IDURONATE 2-SULFATASE DEFICIENCY. Identifiers: Orphanet 580, Orphanet 79388, MedGen C0026705, MONDO:0010674, OMIM 309900.

Submissions (2):

Laboratory of Diagnosis and Therapy of Lysosomal Disorders, University of Padova
Classification: Likely pathogenic for Mucopolysaccharidosis, MPS-II. Last evaluated: 2024-06-07. Review status: criteria provided, single submitter. Criteria: ACMG Guidelines, 2015. Collection method: literature only. Allele origin: germline. Affected: yes. Observed: 2 variant alleles.
Comment: Absent from controls (or at low frequency) in gnomAD database (PM2_Moderate), Patient’s phenotype or family history highly specific for the disease (PP4_Strong)

Classification method: ACMG Guidelines [PMID:25741868] with modifications

Revvity Omics, Revvity
Classification: Likely pathogenic for Mucopolysaccharidosis, MPS-II. Last evaluated: 2022-11-03. Review status: criteria provided, single submitter. Criteria: ACMG Guidelines, 2015. Collection method: clinical testing. Allele origin: germline.

Literature cited by the submitters: PubMed 27351199 (cited by Laboratory of Diagnosis and Therapy of Lysosomal Disorders, University of Padova); PubMed 9452044 (cited by Laboratory of Diagnosis and Therapy of Lysosomal Disorders, University of Padova).

NM_000202.8(IDS):c.241-3C>G

Gene: IDS (iduronate 2-sulfatase; minus strand). Cytogenetic location: Xq28.
Variant type: single nucleotide variant.
Coding change: c.241-3C>G on transcript NM_000202.8 (MANE Select); 3 bases into the intron before coding-DNA position 241, C replaced by G.
Molecular consequence: intron variant.
Genome position (GRCh38, 1-based): chrX:149,503,492, G>C on the plus strand (C>G on the coding strand, the complement: IDS is on the minus strand). VCF-style: chrX-149503492-G-C. GRCh37 (hg19) VCF-style: chrX-148585022-G-C.
Other names: c.15-47C>G (NM_001166550.4); c.241-3C>G (NM_006123.5).
Identifiers: ClinVar variation 1324564 (VCV001324564.6), dbSNP rs2124063783, ClinGen allele CA2573055128.
Genomic context (GRCh38, chrX:149,503,492, plus strand): 5'-TGGTGTCAGGTCTCCTGCCAGTGAGGAAAGAAACGCGGCTCGGGGCGCACACTGCTTGCT[G>C]TTAGGGAGCAGAAGCAGAGGTAAGCATCGCCACAGCAAAACATGTCTGCCATCTCTTAGG-3'